The following is an entry in ClinVar:

NM_005732.4(RAD50):c.3292C>T (p.Arg1098Trp)

Gene: RAD50 (RAD50 double strand break repair protein; plus strand). Cytogenetic location: 5q31.1.
Variant type: single nucleotide variant.
Coding change: c.3292C>T on transcript NM_005732.4 (MANE Select); coding-DNA position 3292, C replaced by T.
Protein change: p.Arg1098Trp; replaces arginine 1098 with tryptophan.
Molecular consequence: missense variant.
Genome position (GRCh38, 1-based): chr5:132,618,197, C>T. VCF-style: chr5-132618197-C-T. GRCh37 (hg19) VCF-style: chr5-131953889-C-T.
Other names: short protein forms R1098W.
Identifiers: ClinVar variation 482141 (VCV000482141.15), dbSNP rs750947088, ClinGen allele CA3405550.

ClinVar aggregate classification (germline): Uncertain significance. Review status: criteria provided, multiple submitters, no conflicts (2 of 4 stars). 3 submissions from 3 submitters: Uncertain significance (3). Last evaluated 2025-09-01.

Conditions:
Hereditary cancer-predisposing syndrome. Also called: Neoplastic Syndromes, Hereditary; Tumor predisposition; Hereditary Cancer Syndrome; Hereditary neoplastic syndrome. Identifiers: Orphanet 140162, MedGen C0027672, MeSH D009386, MONDO:0015356.
Nijmegen breakage syndrome-like disorder (NBSLD). Also called: MICROCEPHALY AND SPONTANEOUS CHROMOSOME INSTABILITY WITHOUT IMMUNODEFICIENCY; NBS-LIKE DISORDER; RAD50 DEFICIENCY. Identifiers: Orphanet 240760, MedGen C2751318, MONDO:0013118, OMIM 613078.

Allele frequency attached by ClinVar (database versions not stated): gnomAD exomes 0.00001 and 0.00002; ExAC 0.00002; TOPMed 0.00002.
gnomAD v4.1: 24 of 1,613,894 alleles (0.0015%); highest among the groups gnomAD compares: African/African-American, 0.012%; no homozygotes.

Submissions (3):

Ambry Genetics
Classification: Uncertain significance for Hereditary cancer-predisposing syndrome. Last evaluated: 2025-09-01. Review status: criteria provided, single submitter. Criteria: Ambry Variant Classification Scheme 2023. Collection method: clinical testing. Allele origin: germline.
Comment: The p.R1098W variant (also known as c.3292C>T), located in coding exon 21 of the RAD50 gene, results from a C to T substitution at nucleotide position 3292. The arginine at codon 1098 is replaced by tryptophan, an amino acid with dissimilar properties. This amino acid position is not well conserved in available vertebrate species. In addition, this alteration is predicted to be tolerated by in silico analysis. Since supporting evidence is limited at this time, the clinical significance of this alteration remains unclear.

Labcorp Genetics (formerly Invitae), Labcorp
Classification: Uncertain significance for Hereditary cancer-predisposing syndrome. Last evaluated: 2025-07-31. Review status: criteria provided, single submitter. Criteria: Invitae Variant Classification Sherloc (09022015). Collection method: clinical testing. Allele origin: germline.
Comment: This sequence change replaces arginine, which is basic and polar, with tryptophan, which is neutral and slightly polar, at codon 1098 of the RAD50 protein (p.Arg1098Trp). This variant is present in population databases (rs750947088, gnomAD 0.006%). This variant has not been reported in the literature in individuals affected with RAD50-related conditions. ClinVar contains an entry for this variant (Variation ID: 482141). Invitae Evidence Modeling of protein sequence and biophysical properties (such as structural, functional, and spatial information, amino acid conservation, physicochemical variation, residue mobility, and thermodynamic stability) indicates that this missense variant is expected to disrupt RAD50 protein function with a positive predictive value of 80%. In summary, the available evidence is currently insufficient to determine the role of this variant in disease. Therefore, it has been classified as a Variant of Uncertain Significance.

Fulgent Genetics
Classification: Uncertain significance for Nijmegen breakage syndrome-like disorder. Last evaluated: 2024-06-19. Review status: criteria provided, single submitter. Criteria: ACMG Guidelines, 2015. Collection method: clinical testing. Allele origin: germline.